The following is an entry in ClinVar:

NM_007118.4(TRIO):c.7423C>G (p.Pro2475Ala)

Gene: TRIO (trio Rho guanine nucleotide exchange factor; plus strand). Cytogenetic location: 5p15.2.
Variant type: single nucleotide variant.
Coding change: c.7423C>G on transcript NM_007118.4 (MANE Select); coding-DNA position 7423, C replaced by G.
Protein change: p.Pro2475Ala; replaces proline 2475 with alanine.
Molecular consequence: missense variant.
Genome position (GRCh38, 1-based): chr5:14,488,051, C>G. VCF-style: chr5-14488051-C-G. GRCh37 (hg19) VCF-style: chr5-14488160-C-G.
Other names: short protein forms P2475A.
Identifiers: ClinVar variation 1691133 (VCV001691133.3), dbSNP rs780299553, ClinGen allele CA3207413.

ClinVar aggregate classification (germline): Conflicting classifications of pathogenicity. Review status: criteria provided, conflicting classifications (1 of 4 stars). 2 submissions from 2 submitters: Uncertain significance (1); Likely benign (1). Last evaluated 2025-08-19.

Conditions:
Inborn genetic diseases. Identifiers: MedGen C0950123, MeSH D030342.

gnomAD v4.1: 47 of 1,609,056 alleles (0.0029%); highest among the groups gnomAD compares: East Asian, 0.013%; no homozygotes.

Submissions (2):

Ambry Genetics
Classification: Likely benign for Inborn genetic diseases. Last evaluated: 2025-08-19. Review status: criteria provided, single submitter. Criteria: Ambry Variant Classification Scheme 2023. Collection method: clinical testing. Allele origin: germline.

GeneDx
Classification: Uncertain significance. Last evaluated: 2022-05-20. Review status: criteria provided, single submitter. Criteria: GeneDx Variant Classification Process June 2021. Collection method: clinical testing. Allele origin: germline. Affected: yes.
Comment: Has not been previously published as pathogenic or benign to our knowledge; In silico analysis supports that this missense variant has a deleterious effect on protein structure/function